The following is an entry in ClinVar:

ClinVar aggregate classification (germline): Benign/Likely benign. Review status: criteria provided, multiple submitters, no conflicts (2 of 4 stars). 4 submissions from 4 submitters: Benign (1); Likely benign (1). 2 of the submissions do not count toward it. Last evaluated 2025-02-16.

Conditions:
Spinocerebellar ataxia, autosomal recessive 31. Identifiers: MedGen C5543627, MONDO:0030323, OMIM 619422.
NAFLD1 (FLD1). Also called: Fatty liver disease, nonalcoholic 1; FATTY LIVER DISEASE, SUSCEPTIBILITY TO, 1. Identifiers: MedGen C2750440, MONDO:0021105, OMIM 613282.

Allele frequency attached by ClinVar (database versions not stated): 1000 Genomes Project 30x 0.02983; 1000 Genomes Project 0.02995; gnomAD exomes 0.03183 and 0.03491; ExAC 0.03262; gnomAD 0.03769 and 0.03931; TOPMed 0.04027; ESP Exome Variant Server 0.04237.
gnomAD v4.1: 56,940 of 1,614,044 alleles (3.5%); highest among the groups gnomAD compares: Middle Eastern, 6.6%; 1,141 homozygotes.

Submissions (4):

Laboratory of Genetics, Children's Clinical University Hospital Latvia
Classification: Likely benign. Last evaluated: 2025-02-16. Review status: criteria provided, single submitter. Criteria: ACMG Guidelines, 2015. Collection method: clinical testing. Allele origin: germline. Affected: yes.

Mendelics
Classification: Benign for Spinocerebellar ataxia, autosomal recessive 31. Last evaluated: 2024-01-23. Review status: criteria provided, single submitter. Criteria: ACMG Guidelines, 2015. Collection method: clinical testing. Allele origin: unknown.

Metabolic Liver Diseases Lab, Fondazione IRCCS Ca Granda Policlinico, University of Milan
Classification: Pathogenic for NAFLD1. Last evaluated: 2022-02-24. Review status: no assertion criteria provided. Collection method: case-control, in vitro. Allele origin: germline, not applicable. Affected: yes. Observed: 43 variant alleles. Not counted in ClinVar's aggregate classification.

Lifecell International Pvt. Ltd
Classification: Likely pathogenic for Spinocerebellar ataxia, autosomal recessive 31. Review status: flagged submission. Criteria: ACMG Guidelines, 2015. Collection method: clinical testing. Allele origin: germline. Inheritance: Autosomal recessive inheritance. Affected: yes. Observed: 1 compound heterozygote. Not counted in ClinVar's aggregate classification.
Comment: A Heterozygous Missense variant c.1412T>C in Exon 13 of the ATG7 gene that results in the amino acid substitution p.Val471Ala was identified. The observed variant has a minor allele frequency of 0.03183/0.03617% in gnomAD exomes and genomes, respectively. The severity of the impact of this variant on the protein is medium, based on the effect of the protein and REVEL score . Rare Exome Variant Ensemble Learner (REVEL) is an ensembl method for predicting the pathogenicity of missense variants based on a combination of scores from 13 individual tools: MutPred, FATHMM v2.3, VEST 3.0, PolyPhen-2, SIFT, PROVEAN, MutationAssessor, MutationTaster, LRT, GERP++, SiPhy, phyloP, and phastCons. The REVEL score for an individual missense variant can range from 0 to 1, with higher scores reflecting greater likelihood that the variant is disease-causing. ClinVar has also classified this variant as Pathogenic(Variant ID 16772800).This variant has been previously repoted in Guido A B et al., 2022. Based on the above evidence this variant has been classified as Likely Pathogenic according to the ACMG guidelines.
ClinVar note: Reason: Outlier claim with insufficient supporting evidence

Literature cited by the submitters: PubMed 35405176 (cited by Lifecell International Pvt. Ltd).

NM_001349232.2(ATG7):c.1412T>C (p.Val471Ala)

Gene: ATG7 (autophagy related 7; plus strand). Cytogenetic location: 3p25.3.
Variant type: single nucleotide variant.
Coding change: c.1412T>C on transcript NM_001349232.2 (MANE Select); coding-DNA position 1412, T replaced by C.
Protein change: p.Val471Ala; replaces valine 471 with alanine.
Molecular consequence: missense variant.
Genome position (GRCh38, 1-based): chr3:11,358,545, T>C. VCF-style: chr3-11358545-T-C. GRCh37 (hg19) VCF-style: chr3-11400019-T-C.
Other names: c.479T>C, p.Val160Ala (NM_001349238.2); c.1412T>C, p.Val471Ala (NM_006395.3, NM_001349235.2, NM_001349233.2 and 2 more transcripts); c.1295T>C, p.Val432Ala (NM_001349236.2, NM_001144912.2); c.1253T>C, p.Val418Ala (NM_001349237.2); short protein forms V160A, V418A, V432A, V471A.
Identifiers: ClinVar variation 1677280 (VCV001677280.4), dbSNP rs36117895, ClinGen allele CA2256078.